The following is an entry in ClinVar:

NM_004064.5(CDKN1B):c.203A>C (p.Lys68Thr)

Gene: CDKN1B (cyclin dependent kinase inhibitor 1B; plus strand). Cytogenetic location: 12p13.1.
Variant type: single nucleotide variant.
Coding change: c.203A>C on transcript NM_004064.5 (MANE Select); coding-DNA position 203, A replaced by C.
Protein change: p.Lys68Thr; replaces lysine 68 with threonine.
Molecular consequence: missense variant.
Genome position (GRCh38, 1-based): chr12:12,718,042, A>C. VCF-style: chr12-12718042-A-C. GRCh37 (hg19) VCF-style: chr12-12870976-A-C.
Other names: short protein forms K68T.
Identifiers: ClinVar variation 3343699 (VCV003343699.1).
Genomic context (GRCh38, chr12:12,718,042, plus strand): 5'-ACTGCAGAGACATGGAAGAGGCGAGCCAGCGCAAGTGGAATTTCGATTTTCAGAATCACA[A>C]ACCCCTAGAGGGCAAGTACGAGTGGCAAGAGGTGGAGAAGGGCAGCTTGCCCGAGTTCTA-3'
Protein context (NP_004055.1, residues 58-78): RKWNFDFQNH[Lys68Thr]PLEGKYEWQE

ClinVar aggregate classification (germline): Uncertain significance (1 of 4 stars; one submission).

Submission:

GeneDx
Classification: Uncertain significance. Last evaluated: 2023-05-18. Review status: criteria provided, single submitter. Criteria: GeneDx Variant Classification Process June 2021. Collection method: clinical testing. Allele origin: germline. Affected: yes.
Comment: Not observed at significant frequency in large population cohorts (gnomAD); In silico analysis supports that this missense variant does not alter protein structure/function; Has not been previously published as pathogenic or benign to our knowledge